The following is an entry in ClinVar:

ClinVar aggregate classification (germline): Benign (1 of 4 stars; one submission).

Allele frequency attached by ClinVar (database versions not stated): 1000 Genomes Project 30x 0.36009; 1000 Genomes Project 0.36562; TOPMed 0.37357; ESP Exome Variant Server 0.39251; gnomAD 0.39369; ExAC 0.42987; gnomAD exomes 0.45722.
gnomAD v4.1: 674,267 of 1,497,856 alleles (45%); highest among the groups gnomAD compares: Non-Finnish European, 47%; 155,544 homozygotes.

Submission:

Unidad de Genómica Garrahan, Hospital de Pediatría Garrahan
Classification: Benign. Last evaluated: 2024-01-24. Review status: criteria provided, single submitter. Criteria: ACMG Guidelines, 2015. Collection method: clinical testing. Allele origin: germline. Affected: no. Observed: 55 variant alleles.
Comment: This variant is classified as Benign based on local population frequency. This variant was detected in 58% of patients studied by a panel of primary immunodeficiencies. Number of patients: 55. Only high quality variants are reported.

NM_006466.4(POLR3F):c.430-41G>A

Gene: POLR3F (RNA polymerase III subunit F; plus strand). Cytogenetic location: 20p11.23.
Variant type: single nucleotide variant.
Coding change: c.430-41G>A on transcript NM_006466.4 (MANE Select); 41 bases into the intron before coding-DNA position 430, G replaced by A.
Molecular consequence: intron variant.
Genome position (GRCh38, 1-based): chr20:18,479,997, G>A. VCF-style: chr20-18479997-G-A. GRCh37 (hg19) VCF-style: chr20-18460641-G-A.
Other names: c.307-41G>A (NM_001282526.2); c.430-405G>A (NM_001410821.1).
Identifiers: ClinVar variation 2688079 (VCV002688079.2), dbSNP rs6081160, ClinGen allele CA9777524.
Genomic context (GRCh38, chr20:18,479,997, plus strand): 5'-GCAATAATTTTGTACATCTTAAACTGTTCCAAAATATAGGTGTTTTTGTTTTTGGAAATT[G>A]TTATCTTATAAACACATGAACTGTGCATGTTCTTTCCTAGGCCTCAAAAAAGAAGGTGTA-3'